The following is an entry in ClinVar:

ClinVar aggregate classification (germline): Benign/Likely benign. Review status: criteria provided, multiple submitters, no conflicts (2 of 4 stars). 5 submissions from 5 submitters: Benign (1); Likely benign (4). Last evaluated 2025-01-28.

Conditions:
Cardiovascular phenotype. Identifiers: MedGen CN230736.
Long QT syndrome (LQTS). Identifiers: MedGen C0023976, MeSH D008133, MONDO:0002442. Disease mechanism: loss of function. Inheritance: Various modes of inheritance.

Allele frequency attached by ClinVar (database versions not stated): gnomAD exomes 0.00001; ExAC 0.00002; TOPMed 0.00004; gnomAD 0.00007 and 0.00008; ESP Exome Variant Server 0.00008.
gnomAD v4.1: 18 of 1,611,828 alleles (0.0011%); highest among the groups gnomAD compares: African/African-American, 0.024%; no homozygotes.

Submissions (5):

Labcorp Genetics (formerly Invitae), Labcorp
Classification: Likely benign for Long QT syndrome. Last evaluated: 2025-01-28. Review status: criteria provided, single submitter. Criteria: Invitae Variant Classification Sherloc (09022015). Collection method: clinical testing. Allele origin: germline.

Women's Health and Genetics/Laboratory Corporation of America, LabCorp
Classification: Likely benign. Last evaluated: 2024-04-09. Review status: criteria provided, single submitter. Criteria: LabCorp Variant Classification Summary - May 2015. Collection method: clinical testing. Allele origin: germline.

Ambry Genetics
Classification: Likely benign for Cardiovascular phenotype. Last evaluated: 2023-07-07. Review status: criteria provided, single submitter. Criteria: Ambry Variant Classification Scheme 2023. Collection method: clinical testing. Allele origin: germline.

GeneDx
Classification: Benign. Last evaluated: 2015-03-03. Review status: criteria provided, single submitter. Criteria: GeneDx Variant Classification Process June 2021. Collection method: clinical testing. Allele origin: germline. Affected: yes.

Laboratory for Molecular Medicine, Mass General Brigham Personalized Medicine
Classification: Likely benign. Last evaluated: 2012-03-19. Review status: criteria provided, single submitter. Criteria: LMM Criteria. Collection method: clinical testing. Allele origin: germline. Observed: 1 variant allele.
Comment: p.Arg148Arg in Exon 02 of CAV3: This variant is not expected to have clinical si gnificance because it does not alter an amino acid residue, is not located withi n the splice consensus sequence. It has been identified in 1/3738 African Americ an chromosomes from a broad population by the NHLBI Exome Sequencing Project.

NM_033337.3(CAV3):c.444G>A (p.Arg148=)

Genes: CAV3 (caveolin 3; plus strand), OXTR (oxytocin receptor; minus strand). Cytogenetic location: 3p25.3.
Variant type: single nucleotide variant.
Coding change: c.444G>A on transcript NM_033337.3 (MANE Select); coding-DNA position 444, G replaced by A.
Protein change: p.Arg148=; no amino-acid change (arginine 148 retained).
Molecular consequence: synonymous variant.
Genome position (GRCh38, 1-based): chr3:8,745,855, G>A. VCF-style: chr3-8745855-G-A. GRCh37 (hg19) VCF-style: chr3-8787541-G-A.
Other names: c.444G>A, p.Arg148= (NM_001234.5).
Identifiers: ClinVar variation 46537 (VCV000046537.15), dbSNP rs376749605, ClinGen allele CA138578.
Genomic context (GRCh38, chr3:8,745,855, plus strand): 5'-CTGCAACCCACTCTTCGCGGCCCTGGGCCAGGTCTGCAGCAGCATCAAGGTGGTGCTGCG[G>A]AAGGAGGTCTAAAGCCAGGTGGGGCAACAGCGGTGGCAGGGCAGGGGGTGGTGGGCCAGA-3'
Protein context (NP_203123.1, residues 138-151): QVCSSIKVVL[Arg148=]KEV